The following is an entry in ClinVar:

NM_001846.4(COL4A2):c.1094C>T (p.Pro365Leu)

Gene: COL4A2 (collagen type IV alpha 2 chain; plus strand). Cytogenetic location: 13q34.
Variant type: single nucleotide variant.
Coding change: c.1094C>T on transcript NM_001846.4 (MANE Select); coding-DNA position 1094, C replaced by T.
Protein change: p.Pro365Leu; replaces proline 365 with leucine.
Molecular consequence: missense variant.
Genome position (GRCh38, 1-based): chr13:110,449,694, C>T. VCF-style: chr13-110449694-C-T. GRCh37 (hg19) VCF-style: chr13-111102041-C-T.
Other names: short protein forms P365L.
Identifiers: ClinVar variation 311118 (VCV000311118.11), dbSNP rs746749693, ClinGen allele CA7049317.
Genomic context (GRCh38, chr13:110,449,694, plus strand): 5'-TAGACCACGGTCTTGTTCTTACTGTGGGACTTGTTTCCCTTCCAGGTGCCAGAGGTGACC[C>T]GGGATTCCCAGGGGCCCAAGGGGAGCCAGGAAGCCAGGGTGAGCCAGGAGACCCGGGCCT-3'
Protein context (NP_001837.2, residues 355-375): PSLAKGARGD[Pro365Leu]GFPGAQGEPG

ClinVar aggregate classification (germline): Conflicting classifications of pathogenicity. Review status: criteria provided, conflicting classifications (1 of 4 stars). 4 submissions from 4 submitters: Uncertain significance (3); Benign (1). Last evaluated 2024-10-15.

Conditions:
Inborn genetic diseases. Identifiers: MedGen C0950123, MeSH D030342.
Brain small vessel disease 2A, autosomal dominant. Also called: Porencephaly 2. Identifiers: Orphanet 2940, Orphanet 99810, MedGen C3280970, MONDO:0013773, OMIM 614483.

Allele frequency attached by ClinVar (database versions not stated): gnomAD 0.00001; gnomAD exomes 0.00001; TOPMed 0.00002; ExAC 0.00010.
gnomAD v4.1: 36 of 1,548,592 alleles (0.0023%); highest among the groups gnomAD compares: Admixed American, 0.012%; no homozygotes.

Submissions (4):

Labcorp Genetics (formerly Invitae), Labcorp
Classification: Uncertain significance. Last evaluated: 2024-10-15. Review status: criteria provided, single submitter. Criteria: Invitae Variant Classification Sherloc (09022015). Collection method: clinical testing. Allele origin: germline.
Comment: This sequence change replaces proline, which is neutral and non-polar, with leucine, which is neutral and non-polar, at codon 365 of the COL4A2 protein (p.Pro365Leu). The frequency data for this variant in the population databases is considered unreliable, as metrics indicate poor data quality at this position in the gnomAD database. This variant has not been reported in the literature in individuals affected with COL4A2-related conditions. ClinVar contains an entry for this variant (Variation ID: 311118). Invitae Evidence Modeling of protein sequence and biophysical properties (such as structural, functional, and spatial information, amino acid conservation, physicochemical variation, residue mobility, and thermodynamic stability) indicates that this missense variant is not expected to disrupt COL4A2 protein function with a negative predictive value of 95%. In summary, the available evidence is currently insufficient to determine the role of this variant in disease. Therefore, it has been classified as a Variant of Uncertain Significance.

Blueprint Genetics
Classification: Uncertain significance. Last evaluated: 2024-09-25. Review status: criteria provided, single submitter. Criteria: ACMG Guidelines, 2015. Collection method: clinical testing. Allele origin: germline.

Ambry Genetics
Classification: Uncertain significance for Inborn genetic diseases. Last evaluated: 2022-01-04. Review status: criteria provided, single submitter. Criteria: Ambry Variant Classification Scheme 2023. Collection method: clinical testing. Allele origin: germline.

Illumina Laboratory Services, Illumina
Classification: Benign for Brain small vessel disease 2A, autosomal dominant. Last evaluated: 2018-01-12. Review status: criteria provided, single submitter. Criteria: ICSL Variant Classification Criteria 13 December 2019. Collection method: clinical testing. Allele origin: germline.
Comment: This variant was observed in the ICSL laboratory as part of a predisposition screen in an ostensibly healthy population. It had not been previously curated by ICSL or reported in the Human Gene Mutation Database (HGMD: prior to June 1st, 2018), and was therefore a candidate for classification through an automated scoring system. Utilizing variant allele frequency, disease prevalence and penetrance estimates, and inheritance mode, an automated score was calculated to assess if this variant is too frequent to cause the disease. Based on the score and internal cut-off values, a variant classified as benign is not then subjected to further curation. The score for this variant resulted in a classification of benign for this disease.